The following is an entry in ClinVar:

NM_001370259.2(MEN1):c.1643G>A (p.Gly548Asp)

Gene: MEN1 (menin 1; minus strand). Cytogenetic location: 11q13.1.
Variant type: single nucleotide variant.
Coding change: c.1643G>A on transcript NM_001370259.2 (MANE Select); coding-DNA position 1643, G replaced by A.
Protein change: p.Gly548Asp; replaces glycine 548 with aspartic acid.
Molecular consequence: missense variant. On other transcripts: non-coding transcript variant (4).
Genome position (GRCh38, 1-based): chr11:64,804,524, C>T on the plus strand (G>A on the coding strand, the complement: MEN1 is on the minus strand). VCF-style: chr11-64804524-C-T. GRCh37 (hg19) VCF-style: chr11-64571996-C-T.
Other names: c.1658G>A, p.Gly553Asp (NM_000244.4, NM_001407145.1, NM_130800.3 and 4 more transcripts); c.1769G>A, p.Gly590Asp (NM_001370251.2, NM_001407142.1, NM_001407143.1 and 1 more transcripts); c.1643G>A, p.Gly548Asp (NM_001370260.2, NM_001370261.2, NM_001407146.1 and 2 more transcripts); c.1538G>A, p.Gly513Asp (NM_001370262.2, NM_001370263.2, NM_001407148.1 and 1 more transcripts); c.1784G>A, p.Gly595Asp (NM_001407150.1); c.1664G>A, p.Gly555Asp (NM_001407151.1); c.1478G>A, p.Gly493Asp (NM_001407152.1); short protein forms G595D, G493D, G513D, G548D, G555D, G553D, G590D.
Identifiers: ClinVar variation 3872251 (VCV003872251.1).

ClinVar aggregate classification (germline): Uncertain significance (1 of 4 stars; one submission).

Conditions:
Hereditary cancer-predisposing syndrome. Also called: Tumor predisposition; Neoplastic Syndromes, Hereditary; Hereditary Cancer Syndrome; Hereditary neoplastic syndrome. Identifiers: Orphanet 140162, MedGen C0027672, MeSH D009386, MONDO:0015356.

Submission:

Ambry Genetics
Classification: Uncertain significance for Hereditary cancer-predisposing syndrome. Last evaluated: 2025-02-02. Review status: criteria provided, single submitter. Criteria: Ambry Variant Classification Scheme 2023. Collection method: clinical testing. Allele origin: germline.
Comment: The p.G548D variant (also known as c.1643G>A), located in coding exon 9 of the MEN1 gene, results from a G to A substitution at nucleotide position 1643. The glycine at codon 548 is replaced by aspartic acid, an amino acid with similar properties. This amino acid position is conserved. In addition, the in silico prediction for this alteration is inconclusive. Based on the available evidence, the clinical significance of this variant remains unclear.